The following is an entry in ClinVar:

ClinVar aggregate classification (germline): Likely pathogenic. Review status: criteria provided, single submitter (1 of 4 stars). 2 submissions from 2 submitters: Likely pathogenic (1). 1 of the submissions does not count toward it. Last evaluated 2019-11-06.

Conditions:
OAT-related disorder. Also called: OAT-related condition.
Ornithine aminotransferase deficiency (GACR). Also called: OKT DEFICIENCY; Ornithine ketoacid aminotransferase deficiency; Gyrate atrophy; Gyrate atrophy of choroid and retina; Girate atrophy of the retina; HYPERORNITHINEMIA WITH GYRATE ATROPHY OF CHOROID AND RETINA. Identifiers: Orphanet 414, MedGen C0018425, MONDO:0009796, OMIM 258870.

Submissions (2):

Blueprint Genetics
Classification: Likely pathogenic for OAT-related disorders. Last evaluated: 2019-11-06. Review status: criteria provided, single submitter. Criteria: ACMG Guidelines, 2015. Collection method: clinical testing. Allele origin: germline. Affected: yes. Observed: 1 variant allele.

Juha Muilu Group; Institute for Molecular Medicine Finland (FIMM)
Classification: Likely pathogenic for Ornithine aminotransferase deficiency. Review status: no assertion criteria provided. Collection method: not provided. Allele origin: unknown. Not counted in ClinVar's aggregate classification.
Comment: FinDis database variant: This variant was not found or characterized by our laboratory, data were collected from public sources: see reference
ClinVar note: Converted during submission from probable-pathogenic to Likely pathogenic.

NM_000274.4(OAT):c.1031del (p.Asn344fs)

Gene: OAT (ornithine aminotransferase; minus strand). Cytogenetic location: 10q26.13.
Variant type: Deletion.
Coding change: c.1031del on transcript NM_000274.4 (MANE Select); coding-DNA position 1031, one base deleted (A; older notation c.1031delA).
Protein change: p.Asn344fs; shifts the reading frame from asparagine 344.
Molecular consequence: frameshift variant.
Genome position (GRCh38, 1-based): chr10:124,400,968, T deleted on the plus strand (A on the coding strand, the reverse complement: OAT is on the minus strand); the first of 4 consecutive T bases (chr10:124,400,968-124,400,971); deleting any one gives the same sequence. VCF-style (leftmost placement, unchanged base first): chr10-124400967-GT-G. GRCh37 (hg19) VCF-style: chr10-126089536-GT-G.
Other names: c.617del, p.Asn206fs (NM_001171814.2); c.1031del, p.Asn344fs (NM_001322965.2, NM_001322966.2, NM_001322967.2 and 3 more transcripts); c.710del, p.Asn237fs (NM_001322971.2); c.431del, p.Asn144fs (NM_001322974.2); c.1031delA (NM_000274.3); short protein forms N144fs, N237fs, N206fs, N344fs.
Identifiers: ClinVar variation 56111 (VCV000056111.3), dbSNP rs386833594, ClinGen allele CA144133.